The following is an entry in ClinVar:

ClinVar aggregate classification (germline): Uncertain significance (1 of 4 stars; one submission).

Submission:

Labcorp Genetics (formerly Invitae), Labcorp
Classification: Uncertain significance. Last evaluated: 2023-02-27. Review status: criteria provided, single submitter. Criteria: Invitae Variant Classification Sherloc (09022015). Collection method: clinical testing. Allele origin: germline.
Comment: This variant has not been reported in the literature in individuals affected with CACNA2D4-related conditions. This variant is not present in population databases (gnomAD no frequency). This sequence change replaces arginine, which is basic and polar, with proline, which is neutral and non-polar, at codon 1091 of the CACNA2D4 protein (p.Arg1091Pro). An algorithm developed to predict the effect of missense changes on protein structure and function (PolyPhen-2) suggests that this variant is likely to be disruptive. In summary, the available evidence is currently insufficient to determine the role of this variant in disease. Therefore, it has been classified as a Variant of Uncertain Significance.

NM_172364.5(CACNA2D4):c.3272G>C (p.Arg1091Pro)

Gene: CACNA2D4 (calcium voltage-gated channel auxiliary subunit alpha2delta 4; minus strand). Cytogenetic location: 12p13.33.
Variant type: single nucleotide variant.
Coding change: c.3272G>C on transcript NM_172364.5 (MANE Select); coding-DNA position 3272, G replaced by C.
Protein change: p.Arg1091Pro; replaces arginine 1091 with proline.
Molecular consequence: missense variant.
Genome position (GRCh38, 1-based): chr12:1,795,336, C>G on the plus strand (G>C on the coding strand, the complement: CACNA2D4 is on the minus strand). VCF-style: chr12-1795336-C-G. GRCh37 (hg19) VCF-style: chr12-1904502-C-G.
Other names: short protein forms R1091P.
Identifiers: ClinVar variation 2841427 (VCV002841427.3), dbSNP rs772642356, ClinGen allele CA383348046.
Genomic context (GRCh38, chr12:1,795,336, plus strand): 5'-CCTCGATCCGCCTCAACCCGCACCTCTGGATGGAAGGCGTGGCAGGAGTCTGGTCGCCGG[C>G]GGAGCTTCTGGGAGCGCATCCGGTCACATTTGACAGAGGCATTATGTGCAGAAGCCACTG-3'
Protein context (NP_758952.4, residues 1081-1101): KCDRMRSQKL[Arg1091Pro]RRPDSCHAFH